The following is an entry in ClinVar:

ClinVar aggregate classification (germline): Likely benign (1 of 4 stars; one submission).

gnomAD v4.1: 47 of 1,608,260 alleles (0.0029%); highest among the groups gnomAD compares: Non-Finnish European, 0.0039%; no homozygotes.

Submission:

Center for Genomic Medicine, Rigshospitalet, Copenhagen University Hospital
Classification: Likely benign. Last evaluated: 2025-12-29. Review status: criteria provided, single submitter. Criteria: ACMG Guidelines, 2015. Collection method: clinical testing. Allele origin: germline.
Comment: Classification criteria: BS1, BP4

NM_006231.4(POLE):c.6657+41A>T

Gene: POLE (DNA polymerase epsilon, catalytic subunit; minus strand). Cytogenetic location: 12q24.33.
Variant type: single nucleotide variant.
Coding change: c.6657+41A>T on transcript NM_006231.4 (MANE Select); 41 bases into the intron after coding-DNA position 6657, A replaced by T.
Molecular consequence: intron variant.
Genome position (GRCh38, 1-based): chr12:132,625,604, T>A on the plus strand (A>T on the coding strand, the complement: POLE is on the minus strand). VCF-style: chr12-132625604-T-A. GRCh37 (hg19) VCF-style: chr12-133202190-T-A.
Identifiers: ClinVar variation 4539326 (VCV004539326.1).